The following is an entry in ClinVar:

ClinVar aggregate classification (germline): Likely benign. Review status: criteria provided, multiple submitters, no conflicts (2 of 4 stars). 2 submissions from 2 submitters: Likely benign (2). Last evaluated 2025-04-30.

Conditions:
Tuberous sclerosis 1 (TSC1). Identifiers: Orphanet 805, MedGen C1854465, MONDO:0008612, OMIM 191100.

Submissions (2):

Women's Health and Genetics/Laboratory Corporation of America, LabCorp
Classification: Likely benign. Last evaluated: 2025-04-30. Review status: criteria provided, single submitter. Criteria: LabCorp Variant Classification Summary - May 2015. Collection method: clinical testing. Allele origin: germline.
Comment: Variant summary: TSC1 c.2041+6_2041+7dupGT alters a nucleotide located close to a canonical splice site and therefore could affect mRNA splicing, leading to a significantly altered protein sequence. Consensus agreement among computation tools predict no significant impact on normal splicing. However, these predictions have yet to be confirmed by functional studies. The variant was absent in 250956 control chromosomes (gnomAD). The available data on variant occurrences in the general population are insufficient to allow any conclusion about variant significance. To our knowledge, no occurrence of c.2041+6_2041+7dupGT in individuals affected with Tuberous Sclerosis Complex and no experimental evidence demonstrating its impact on protein function have been reported. ClinVar contains an entry for this variant (Variation ID: 928918). Based on the evidence outlined above, the variant was classified as likely benign.

Labcorp Genetics (formerly Invitae), Labcorp
Classification: Likely benign for Tuberous sclerosis 1. Last evaluated: 2021-11-11. Review status: criteria provided, single submitter. Criteria: Invitae Variant Classification Sherloc (09022015). Collection method: clinical testing. Allele origin: germline.

NM_000368.5(TSC1):c.2041+6_2041+7dup

Gene: TSC1 (TSC complex subunit 1; minus strand). Cytogenetic location: 9q34.13.
Variant type: Duplication.
Coding change: c.2041+6_2041+7dup on transcript NM_000368.5 (MANE Select); bases 6 to 7 of the intron after coding-DNA position 2041, 2 bases duplicated (GT; older notation c.2041+6_2041+7dupGT).
Molecular consequence: intron variant.
Genome position (GRCh38, 1-based): chr9:132,904,404-132,904,405, AC duplicated on the plus strand (GT on the coding strand, the reverse complement: TSC1 is on the minus strand). VCF-style (leftmost placement, unchanged base first): chr9-132904403-A-AAC. GRCh37 (hg19) VCF-style: chr9-135779790-A-AAC.
Other names: c.2041+6_2041+7dupGT (NM_000368.5); c.1678+6_1678+7dup (NM_001362177.2); c.1888+6_1888+7dup (NM_001162427.2); c.2038+6_2038+7dup (NM_001162426.2).
Identifiers: ClinVar variation 928918 (VCV000928918.10), dbSNP rs1845540759, ClinGen allele CA1139661273.